The following is an entry in ClinVar:

NM_000214.3(JAG1):c.1806C>A (p.His602Gln)

Gene: JAG1 (jagged canonical Notch ligand 1; minus strand). Cytogenetic location: 20p12.2.
Variant type: single nucleotide variant.
Coding change: c.1806C>A on transcript NM_000214.3 (MANE Select); coding-DNA position 1806, C replaced by A.
Protein change: p.His602Gln; replaces histidine 602 with glutamine.
Molecular consequence: missense variant.
Genome position (GRCh38, 1-based): chr20:10,647,018, G>T on the plus strand (C>A on the coding strand, the complement: JAG1 is on the minus strand). VCF-style: chr20-10647018-G-T. GRCh37 (hg19) VCF-style: chr20-10627666-G-T.
Other names: short protein forms H602Q.
Identifiers: ClinVar variation 3719748 (VCV003719748.2).

ClinVar aggregate classification (germline): Uncertain significance (1 of 4 stars; one submission).

Conditions:
Alagille syndrome due to a JAG1 point mutation. Also called: JAG1-Related Alagille Syndrome; HEPATIC DUCTULAR HYPOPLASIA, SYNDROMATIC; Alagille Syndrome 1. Identifiers: Orphanet 261619, Orphanet 52, MedGen C1956125, MONDO:0016862, OMIM 118450.

gnomAD v4.1: 1 of 1,614,162 alleles (0.000062%); highest among the groups gnomAD compares: Non-Finnish European, 0.000085%; no homozygotes.

Submission:

Labcorp Genetics (formerly Invitae), Labcorp
Classification: Uncertain significance for Alagille syndrome due to a JAG1 point mutation. Last evaluated: 2024-10-16. Review status: criteria provided, single submitter. Criteria: Invitae Variant Classification Sherloc (09022015). Collection method: clinical testing. Allele origin: germline.
Comment: This sequence change replaces histidine, which is basic and polar, with glutamine, which is neutral and polar, at codon 602 of the JAG1 protein (p.His602Gln). This variant is not present in population databases (gnomAD no frequency). This variant has not been reported in the literature in individuals affected with JAG1-related conditions. Invitae Evidence Modeling of protein sequence and biophysical properties (such as structural, functional, and spatial information, amino acid conservation, physicochemical variation, residue mobility, and thermodynamic stability) has been performed for this missense variant. However, the output from this modeling did not meet the statistical confidence thresholds required to predict the impact of this variant on JAG1 protein function. In summary, the available evidence is currently insufficient to determine the role of this variant in disease. Therefore, it has been classified as a Variant of Uncertain Significance.